The following is an entry in ClinVar:

ClinVar aggregate classification (germline): Likely pathogenic (1 of 4 stars; one submission).

Conditions:
Polycystic kidney disease, adult type (PKD1). Also called: Polycystic Kidney, Autosomal Dominant; POLYCYSTIC KIDNEY DISEASE 1 WITH OR WITHOUT POLYCYSTIC LIVER DISEASE; POLYCYSTIC KIDNEY DISEASE, ADULT, TYPE I; Polycystic Kidney Disease 1, Autosomal Dominant; Polycystic kidney disease 1; Polycystic kidney disease 1, severe. Identifiers: MedGen C3149841, MONDO:0008263, OMIM 173900.

Submission:

Neuberg Centre For Genomic Medicine, NCGM
Classification: Likely pathogenic for Polycystic kidney disease, adult type. Last evaluated: 2023-05-20. Review status: criteria provided, single submitter. Criteria: ACMG Guidelines, 2015. Collection method: clinical testing. Allele origin: germline. Inheritance: Autosomal dominant inheritance. Affected: yes.
Comment: The observed frameshift variant c.1620_1621del(p.Ala541ArgfsTer45) in the PKD1 gene has not been reported previously as a pathogenic variant nor as a benign variant, to our knowledge. This variant is absent in the gnomAD Exomes. This variant causes a frameshift starting with codon Alanine 541, changes this amino acid to Arginine residue, and creates a premature Stop codon at position 45 of the new reading frame, denoted p.Ala541ArgfsTer45. This variant is predicted to cause loss of normal protein function through protein truncation. Loss of function variants have been previously reported to be disease causing (Meng J, et al., 2019). For these reasons, this variant has been classified as Likely Pathogenic.

NM_001009944.3(PKD1):c.1620_1621del (p.Ala541fs)

Gene: PKD1 (polycystin 1, transient receptor potential channel interacting; minus strand). Cytogenetic location: 16p13.3.
Variant type: Deletion.
Coding change: c.1620_1621del on transcript NM_001009944.3 (MANE Select); coding-DNA positions 1620 to 1621, 2 bases deleted (TG; older notation c.1620_1621delTG).
Protein change: p.Ala541fs; shifts the reading frame from alanine 541.
Molecular consequence: frameshift variant.
Genome position (GRCh38, 1-based): chr16:2,116,630-2,116,631, CA deleted on the plus strand (TG on the coding strand, the reverse complement: PKD1 is on the minus strand). VCF-style (leftmost placement, unchanged base first): chr16-2116629-GCA-G. GRCh37 (hg19) VCF-style: chr16-2166630-GCA-G.
Other names: c.1620_1621del, p.Ala541fs (NM_000296.4); short protein forms A541fs.
Identifiers: ClinVar variation 3367001 (VCV003367001.1).